The following is an entry in ClinVar:

NM_001414.4(EIF2B1):c.400G>C (p.Val134Leu)

Gene: EIF2B1 (eukaryotic translation initiation factor 2B subunit alpha; minus strand). Cytogenetic location: 12q24.31.
Variant type: single nucleotide variant.
Coding change: c.400G>C on transcript NM_001414.4 (MANE Select); coding-DNA position 400, G replaced by C.
Protein change: p.Val134Leu; replaces valine 134 with leucine.
Molecular consequence: missense variant.
Genome position (GRCh38, 1-based): chr12:123,627,126, C>G on the plus strand (G>C on the coding strand, the complement: EIF2B1 is on the minus strand). VCF-style: chr12-123627126-C-G. GRCh37 (hg19) VCF-style: chr12-124111673-C-G.
Other names: short protein forms V134L.
Identifiers: ClinVar variation 4743250 (VCV004743250.1).

ClinVar aggregate classification (germline): Uncertain significance (1 of 4 stars; one submission).

Submission:

Labcorp Genetics (formerly Invitae), Labcorp
Classification: Uncertain significance. Last evaluated: 2025-10-07. Review status: criteria provided, single submitter. Criteria: Invitae Variant Classification Sherloc (09022015). Collection method: clinical testing. Allele origin: germline.
Comment: This sequence change replaces valine, which is neutral and non-polar, with leucine, which is neutral and non-polar, at codon 134 of the EIF2B1 protein (p.Val134Leu). This variant is not present in population databases (gnomAD no frequency). This variant has not been reported in the literature in individuals affected with EIF2B1-related conditions. Invitae Evidence Modeling of protein sequence and biophysical properties (such as structural, functional, and spatial information, amino acid conservation, physicochemical variation, residue mobility, and thermodynamic stability) indicates that this missense variant is not expected to disrupt EIF2B1 protein function with a negative predictive value of 80%. In summary, the available evidence is currently insufficient to determine the role of this variant in disease. Therefore, it has been classified as a Variant of Uncertain Significance.